The following is an entry in ClinVar:

NM_014714.4(IFT140):c.2617G>C (p.Asp873His)

Gene: IFT140 (intraflagellar transport 140; minus strand). Cytogenetic location: 16p13.3.
Variant type: single nucleotide variant.
Coding change: c.2617G>C on transcript NM_014714.4 (MANE Select); coding-DNA position 2617, G replaced by C.
Protein change: p.Asp873His; replaces aspartic acid 873 with histidine.
Molecular consequence: missense variant.
Genome position (GRCh38, 1-based): chr16:1,526,038, C>G on the plus strand (G>C on the coding strand, the complement: IFT140 is on the minus strand). VCF-style: chr16-1526038-C-G. GRCh37 (hg19) VCF-style: chr16-1576039-C-G.
Other names: short protein forms D873H.
Identifiers: ClinVar variation 1024301 (VCV001024301.10), dbSNP rs560840162, ClinGen allele CA7813553.

ClinVar aggregate classification (germline): Uncertain significance. Review status: criteria provided, multiple submitters, no conflicts (2 of 4 stars). 3 submissions from 3 submitters: Uncertain significance (3). Last evaluated 2025-01-27.

Conditions:
Retinitis pigmentosa 80 (RP80). Identifiers: MedGen C4540439, MONDO:0054708, OMIM 617781.
Saldino-Mainzer syndrome (SRTD9). Also called: Renal dysplasia, retinal pigmentary dystrophy, cerebellar ataxia and skeletal dysplasia; SHORT-RIB THORACIC DYSPLASIA 9 WITHOUT POLYDACTYLY; CONORENAL SYNDROME; short-rib thoracic dysplasia 9 with or without polydactyly. Identifiers: Orphanet 140969, MedGen C1849437, MONDO:0009964, OMIM 266920.

Allele frequency attached by ClinVar (database versions not stated): TOPMed 0.00001.

Submissions (3):

Labcorp Genetics (formerly Invitae), Labcorp
Classification: Uncertain significance for Saldino-Mainzer syndrome. Last evaluated: 2025-01-27. Review status: criteria provided, single submitter. Criteria: Invitae Variant Classification Sherloc (09022015). Collection method: clinical testing. Allele origin: germline.
Comment: This sequence change replaces aspartic acid, which is acidic and polar, with histidine, which is basic and polar, at codon 873 of the IFT140 protein (p.Asp873His). This variant is present in population databases (rs560840162, gnomAD 0.003%). This variant has not been reported in the literature in individuals affected with IFT140-related conditions. ClinVar contains an entry for this variant (Variation ID: 1024301). Invitae Evidence Modeling of protein sequence and biophysical properties (such as structural, functional, and spatial information, amino acid conservation, physicochemical variation, residue mobility, and thermodynamic stability) has been performed for this missense variant. However, the output from this modeling did not meet the statistical confidence thresholds required to predict the impact of this variant on IFT140 protein function. In summary, the available evidence is currently insufficient to determine the role of this variant in disease. Therefore, it has been classified as a Variant of Uncertain Significance.

Blueprint Genetics
Classification: Uncertain significance. Last evaluated: 2024-11-25. Review status: criteria provided, single submitter. Criteria: ACMG Guidelines, 2015. Collection method: clinical testing. Allele origin: germline.

Fulgent Genetics
Classification: Uncertain significance for Saldino-Mainzer syndrome; Retinitis pigmentosa 80. Last evaluated: 2024-05-11. Review status: criteria provided, single submitter. Criteria: ACMG Guidelines, 2015. Collection method: clinical testing. Allele origin: germline.